The following is an entry in ClinVar:

NM_024426.6(WT1):c.1122_1124delinsGTA (p.Arg375Tyr)

Gene: WT1 (WT1 transcription factor; minus strand). Cytogenetic location: 11p13.
Variant type: Indel.
Coding change: c.1122_1124delinsGTA on transcript NM_024426.6 (MANE Select); coding-DNA positions 1122 to 1124, ACG replaced by GTA.
Protein change: p.Arg375Tyr; replaces arginine 375 with tyrosine.
Molecular consequence: missense variant. On other transcripts: non-coding transcript variant (2), 5 prime UTR variant (1).
Genome position (GRCh38, 1-based): chr11:32,396,397-32,396,399, CGT replaced by TAC on the plus strand (ACG replaced by GTA on the coding strand, the reverse complement: WT1 is on the minus strand). VCF-style: chr11-32396397-CGT-TAC. GRCh37 (hg19) VCF-style: chr11-32417943-CGT-TAC.
Other names: c.1071_1073delinsGTA, p.Arg358Tyr (NM_000378.6, NM_001407045.1, NM_001407048.1 and 1 more transcripts); c.471_473delinsGTA, p.Arg158Tyr (NM_001198551.2); c.420_422delinsGTA, p.Arg141Tyr (NM_001198552.2); c.-67_-65delinsGTA (NM_001367854.1); c.1116_1118delinsGTA, p.Arg373Tyr (NM_001407044.1); c.1122_1124delinsGTA, p.Arg375Tyr (NM_001407046.1, NM_024424.5); c.999_1001delinsGTA, p.Arg334Tyr (NM_001407047.1); c.948_950delinsGTA, p.Arg317Tyr (NM_001407050.1); and 2 more; short protein forms R121Y, R141Y, R353Y, R358Y, R334Y, R370Y, R373Y, R158Y.
Identifiers: ClinVar variation 2932611 (VCV002932611.2), dbSNP rs2494784745, ClinGen allele CA2740093686.

ClinVar aggregate classification (germline): Uncertain significance (1 of 4 stars; one submission).

Conditions:
Drash syndrome (DDS). Also called: NEPHROPATHY, WILMS TUMOR, AND GENITAL ANOMALIES; WILMS TUMOR AND PSEUDO- OR TRUE HERMAPHRODITISM. Identifiers: Orphanet 220, MedGen C0950121, MONDO:0008682, OMIM 194080.
Wilms tumor 1 (WT1). Also called: Wilms tumor, somatic. Identifiers: Orphanet 654, MedGen CN033288, MONDO:0008679, OMIM 194070.
Frasier syndrome. Identifiers: Orphanet 347, MedGen C0950122, MeSH D052159, MONDO:0007635, OMIM 136680.
11p partial monosomy syndrome (WAGR). Also called: CHROMOSOME 11p13 DELETION SYNDROME; WAGR Spectrum Disorder; WAGR syndrome; WAGR Complex. Identifiers: Orphanet 893, MedGen C0206115, MONDO:0008681, OMIM 194072.

Submission:

Labcorp Genetics (formerly Invitae), Labcorp
Classification: Uncertain significance for Wilms tumor 1; Drash syndrome; 11p partial monosomy syndrome; Frasier syndrome. Last evaluated: 2023-10-20. Review status: criteria provided, single submitter. Criteria: Invitae Variant Classification Sherloc (09022015). Collection method: clinical testing. Allele origin: germline.
Comment: This sequence change replaces arginine, which is basic and polar, with tyrosine, which is neutral and polar, at codon 370 of the WT1 protein (p.Arg370Tyr). Information on the frequency of this variant in the gnomAD database is not available, as this variant may be reported differently in the database. This variant has not been reported in the literature in individuals affected with WT1-related conditions. Experimental studies and prediction algorithms are not available or were not evaluated, and the functional significance of this variant is currently unknown. In summary, the available evidence is currently insufficient to determine the role of this variant in disease. Therefore, it has been classified as a Variant of Uncertain Significance.